The following is an entry in ClinVar:

NM_004982.4(KCNJ8):c.444G>A (p.Met148Ile)

Genes: KCNJ8 (potassium inwardly rectifying channel subfamily J member 8; minus strand), KCNJ8-AS1 (KCNJ8 antisense RNA 1; plus strand). Cytogenetic location: 12p12.1.
Variant type: single nucleotide variant.
Coding change: c.444G>A on transcript NM_004982.4 (MANE Select); coding-DNA position 444, G replaced by A.
Protein change: p.Met148Ile; replaces methionine 148 with isoleucine.
Molecular consequence: missense variant.
Genome position (GRCh38, 1-based): chr12:21,766,554, C>T on the plus strand (G>A on the coding strand, the complement: KCNJ8 is on the minus strand). VCF-style: chr12-21766554-C-T. GRCh37 (hg19) VCF-style: chr12-21919488-C-T.
Other names: short protein forms M148I.
Identifiers: ClinVar variation 4090519 (VCV004090519.1).
Genomic context (GRCh38, chr12:21,766,554, plus strand): 5'-GATCAAACCCACAATATTCTGGAGAATCAAAACCGTGATGGCCAAAGGGCATTCCTCTGT[C>T]ATCATCCTCCCTCCAAACCCAATGGTAACTTGAACTTCAATGGAGAAGAGAAAAGCAGAA-3'
Protein context (NP_004973.1, residues 138-158): QVTIGFGGRM[Met148Ile]TEECPLAITV

ClinVar aggregate classification (germline): Uncertain significance (1 of 4 stars; one submission).

Conditions:
Cardiovascular phenotype. Identifiers: MedGen CN230736.

Submission:

Ambry Genetics
Classification: Uncertain significance for Cardiovascular phenotype. Last evaluated: 2025-08-06. Review status: criteria provided, single submitter. Criteria: Ambry Variant Classification Scheme 2023. Collection method: clinical testing. Allele origin: germline.
Comment: The p.M148I variant (also known as c.444G>A), located in coding exon 2 of the KCNJ8 gene, results from a G to A substitution at nucleotide position 444. The methionine at codon 148 is replaced by isoleucine, an amino acid with highly similar properties. This amino acid position is not well conserved in available vertebrate species. In addition, this alteration is predicted to be tolerated by in silico analysis. Based on the available evidence, the clinical significance of this variant remains unclear.